The following is an entry in ClinVar:

NM_017849.4(TMEM127):c.697C>A (p.Pro233Thr)

Gene: TMEM127 (transmembrane protein 127; minus strand). Cytogenetic location: 2q11.2.
Variant type: single nucleotide variant.
Coding change: c.697C>A on transcript NM_017849.4 (MANE Select); coding-DNA position 697, C replaced by A.
Protein change: p.Pro233Thr; replaces proline 233 with threonine.
Molecular consequence: missense variant.
Genome position (GRCh38, 1-based): chr2:96,253,828, G>T on the plus strand (C>A on the coding strand, the complement: TMEM127 is on the minus strand). VCF-style: chr2-96253828-G-T. GRCh37 (hg19) VCF-style: chr2-96919566-G-T.
Other names: c.697C>A, p.Pro233Thr (NM_001193304.3); c.445C>A, p.Pro149Thr (NM_001407282.1, NM_001407283.1); short protein forms P149T, P233T.
Identifiers: ClinVar variation 3665074 (VCV003665074.4).
Genomic context (GRCh38, chr2:96,253,828, plus strand): 5'-TGAGGGAGGGGCTGCCGAGGAAGAGAGCCCAGGGCTGGCATTAGGGTGTGTAAGCAGGGG[G>T]TGGCTGGAACTGGTTGATGACCTCATATTCCGCCGGGTAGGGCTCGTTCTCTTCCATCTC-3'
Protein context (NP_060319.1, residues 223-238): EYEVINQFQP[Pro233Thr]PAYTP

ClinVar aggregate classification (germline): Uncertain significance. Review status: criteria provided, multiple submitters, no conflicts (2 of 4 stars). 3 submissions from 3 submitters: Uncertain significance (3). Last evaluated 2026-04-02.

Conditions:
Hereditary pheochromocytoma and paraganglioma. Also called: Hereditary Paraganglioma-Pheochromocytoma Syndromes; Hereditary pheochromocytoma-paraganglioma; Hereditary paragangliomas and pheochromocytomas. Identifiers: Orphanet 29072, MedGen C4274332, MONDO:0017366.
Hereditary cancer-predisposing syndrome. Also called: Hereditary neoplastic syndrome; Tumor predisposition; Hereditary Cancer Syndrome; Neoplastic Syndromes, Hereditary. Identifiers: Orphanet 140162, MedGen C0027672, MeSH D009386, MONDO:0015356.

Submissions (3):

Ambry Genetics
Classification: Uncertain significance for Hereditary cancer-predisposing syndrome. Last evaluated: 2026-04-02. Review status: criteria provided, single submitter. Criteria: Ambry Variant Classification Scheme 2023. Collection method: clinical testing. Allele origin: germline.
Comment: The p.P233T variant (also known as c.697C>A), located in coding exon 3 of the TMEM127 gene, results from a C to A substitution at nucleotide position 697. The proline at codon 233 is replaced by threonine, an amino acid with highly similar properties. This amino acid position is conserved. In addition, this alteration is predicted to be deleterious by in silico analysis. Based on the available evidence, the clinical significance of this variant remains unclear.

GeneDx
Classification: Uncertain significance. Last evaluated: 2025-06-26. Review status: criteria provided, single submitter. Criteria: GeneDx Variant Classification Process June 2021. Collection method: clinical testing. Allele origin: germline. Affected: yes.
Comment: Not observed at significant frequency in large population cohorts (gnomAD); In silico analysis supports that this missense variant has a deleterious effect on protein structure/function; Has not been previously published as pathogenic or benign to our knowledge

Labcorp Genetics (formerly Invitae), Labcorp
Classification: Uncertain significance for Hereditary pheochromocytoma and paraganglioma. Last evaluated: 2024-12-10. Review status: criteria provided, single submitter. Criteria: Invitae Variant Classification Sherloc (09022015). Collection method: clinical testing. Allele origin: germline.
Comment: This sequence change replaces proline, which is neutral and non-polar, with threonine, which is neutral and polar, at codon 233 of the TMEM127 protein (p.Pro233Thr). This variant is not present in population databases (gnomAD no frequency). This variant has not been reported in the literature in individuals affected with TMEM127-related conditions. An algorithm developed to predict the effect of missense changes on protein structure and function (PolyPhen-2) suggests that this variant is likely to be disruptive. In summary, the available evidence is currently insufficient to determine the role of this variant in disease. Therefore, it has been classified as a Variant of Uncertain Significance.